The following is an entry in ClinVar:

ClinVar aggregate classification (germline): Uncertain significance. Review status: criteria provided, multiple submitters, no conflicts (2 of 4 stars). 2 submissions from 2 submitters: Uncertain significance (2). Last evaluated 2025-08-17.

Conditions:
Malignant hyperthermia, susceptibility to, 5 (MHS5). Also called: CACNA1S-Related Malignant Hyperthermia Susceptibility. Identifiers: Orphanet 423, MedGen C1866077, MONDO:0011163, OMIM 601887.
Hypokalemic periodic paralysis, type 1. Also called: Hypokalemic Periodic Paralysis Type 1 (AD); HypoPP. Identifiers: Orphanet 681, MedGen C3714580, MONDO:0042979, OMIM 170400.

Allele frequency attached by ClinVar (database versions not stated): gnomAD 0.00001; TOPMed 0.00001; ExAC 0.00003; ESP Exome Variant Server 0.00008.
gnomAD v4.1: 18 of 1,614,046 alleles (0.0011%); highest among the groups gnomAD compares: Non-Finnish European, 0.0014%; no homozygotes.

Submissions (2):

Labcorp Genetics (formerly Invitae), Labcorp
Classification: Uncertain significance for Hypokalemic periodic paralysis, type 1; Malignant hyperthermia, susceptibility to, 5. Last evaluated: 2025-08-17. Review status: criteria provided, single submitter. Criteria: Invitae Variant Classification Sherloc (09022015). Collection method: clinical testing. Allele origin: germline.
Comment: This sequence change replaces proline, which is neutral and non-polar, with serine, which is neutral and polar, at codon 172 of the CACNA1S protein (p.Pro172Ser). This variant is present in population databases (rs370041629, gnomAD 0.005%). This variant has not been reported in the literature in individuals affected with CACNA1S-related conditions. ClinVar contains an entry for this variant (Variation ID: 2926990). Invitae Evidence Modeling of protein sequence and biophysical properties (such as structural, functional, and spatial information, amino acid conservation, physicochemical variation, residue mobility, and thermodynamic stability) has been performed for this missense variant. However, the output from this modeling did not meet the statistical confidence thresholds required to predict the impact of this variant on CACNA1S protein function. In summary, the available evidence is currently insufficient to determine the role of this variant in disease. Therefore, it has been classified as a Variant of Uncertain Significance.

GeneDx
Classification: Uncertain significance. Last evaluated: 2025-01-14. Review status: criteria provided, single submitter. Criteria: GeneDx Variant Classification Process June 2021. Collection method: clinical testing. Allele origin: germline. Affected: yes.
Comment: In silico analysis supports that this missense variant has a deleterious effect on protein structure/function; Has not been previously published as pathogenic or benign to our knowledge

NM_000069.3(CACNA1S):c.514C>T (p.Pro172Ser)

Gene: CACNA1S (calcium voltage-gated channel subunit alpha1 S; minus strand). Cytogenetic location: 1q32.1.
Variant type: single nucleotide variant.
Coding change: c.514C>T on transcript NM_000069.3 (MANE Select); coding-DNA position 514, C replaced by T.
Protein change: p.Pro172Ser; replaces proline 172 with serine.
Molecular consequence: missense variant.
Genome position (GRCh38, 1-based): chr1:201,091,999, G>A on the plus strand (C>T on the coding strand, the complement: CACNA1S is on the minus strand). VCF-style: chr1-201091999-G-A. GRCh37 (hg19) VCF-style: chr1-201061127-G-A.
Other names: c.514C>T (NM_000069.2); short protein forms P172S.
Identifiers: ClinVar variation 2926990 (VCV002926990.4), dbSNP rs370041629, ClinGen allele CA083750.